The following is an entry in ClinVar:

ClinVar aggregate classification (germline): Uncertain significance. Review status: criteria provided, multiple submitters, no conflicts (2 of 4 stars). 2 submissions from 2 submitters: Uncertain significance (2). Last evaluated 2022-12-16.

Conditions:
Inborn genetic diseases. Identifiers: MedGen C0950123, MeSH D030342.

Allele frequency attached by ClinVar (database versions not stated): gnomAD exomes below 0.00001.
gnomAD v4.1: 2 of 1,614,194 alleles (0.00012%); highest among the groups gnomAD compares: Non-Finnish European, 0.00017%; no homozygotes.

Submissions (2):

Ambry Genetics
Classification: Uncertain significance for Inborn genetic diseases. Last evaluated: 2022-12-16. Review status: criteria provided, single submitter. Criteria: Ambry Variant Classification Scheme 2023. Collection method: clinical testing. Allele origin: germline.

Labcorp Genetics (formerly Invitae), Labcorp
Classification: Uncertain significance. Last evaluated: 2022-08-19. Review status: criteria provided, single submitter. Criteria: Invitae Variant Classification Sherloc (09022015). Collection method: clinical testing. Allele origin: germline.
Comment: This sequence change replaces aspartic acid, which is acidic and polar, with glycine, which is neutral and non-polar, at codon 497 of the PDE6A protein (p.Asp497Gly). This variant is not present in population databases (gnomAD no frequency). This variant has not been reported in the literature in individuals affected with PDE6A-related conditions. Algorithms developed to predict the effect of missense changes on protein structure and function (SIFT, PolyPhen-2, Align-GVGD) all suggest that this variant is likely to be tolerated. In summary, the available evidence is currently insufficient to determine the role of this variant in disease. Therefore, it has been classified as a Variant of Uncertain Significance.

NM_000440.3(PDE6A):c.1490A>G (p.Asp497Gly)

Gene: PDE6A (phosphodiesterase 6A; minus strand). Cytogenetic location: 5q32.
Variant type: single nucleotide variant.
Coding change: c.1490A>G on transcript NM_000440.3 (MANE Select); coding-DNA position 1490, A replaced by G.
Protein change: p.Asp497Gly; replaces aspartic acid 497 with glycine.
Molecular consequence: missense variant.
Genome position (GRCh38, 1-based): chr5:149,896,486, T>C on the plus strand (A>G on the coding strand, the complement: PDE6A is on the minus strand). VCF-style: chr5-149896486-T-C. GRCh37 (hg19) VCF-style: chr5-149276049-T-C.
Other names: c.1247A>G, p.Asp416Gly (NM_001410788.1); short protein forms D497G, D416G.
Identifiers: ClinVar variation 1929018 (VCV001929018.6), dbSNP rs2480565523, ClinGen allele CA361695568.
Genomic context (GRCh38, chr5:149,896,486, plus strand): 5'-TCCAGTTCTGTTAGGGGTAAGTCACTGAAGTGAAATTTATTAATTTCGTATTTATCTGCA[T>C]CTGGCAGCTCCGCTTGCTGTATAAGGAATAGAGTCAGGTGATTAGGAAACATGAAGTGTT-3'
Protein context (NP_000431.2, residues 487-507): LAEILQAELP[Asp497Gly]ADKYEINKFH